The following is an entry in ClinVar:

NM_014754.3(PTDSS1):c.422C>A (p.Thr141Lys)

Gene: PTDSS1 (phosphatidylserine synthase 1; plus strand). Cytogenetic location: 8q22.1.
Variant type: single nucleotide variant.
Coding change: c.422C>A on transcript NM_014754.3 (MANE Select); coding-DNA position 422, C replaced by A.
Protein change: p.Thr141Lys; replaces threonine 141 with lysine.
Molecular consequence: missense variant. On other transcripts: intron variant (1).
Genome position (GRCh38, 1-based): chr8:96,287,127, C>A. VCF-style: chr8-96287127-C-A. GRCh37 (hg19) VCF-style: chr8-97299355-C-A.
Other names: c.4-7971C>A (NM_001290225.2); short protein forms T141K.
Identifiers: ClinVar variation 2074652 (VCV002074652.4), dbSNP rs748543683, ClinGen allele CA4816566.

ClinVar aggregate classification (germline): Uncertain significance (1 of 4 stars; one submission).

Allele frequency attached by ClinVar (database versions not stated): ExAC 0.00002; TOPMed 0.00003; gnomAD 0.00005.
gnomAD v4.1: 33 of 1,614,036 alleles (0.002%); highest among the groups gnomAD compares: Middle Eastern, 0.033%; no homozygotes.

Submission:

Labcorp Genetics (formerly Invitae), Labcorp
Classification: Uncertain significance. Last evaluated: 2025-04-11. Review status: criteria provided, single submitter. Criteria: Invitae Variant Classification Sherloc (09022015). Collection method: clinical testing. Allele origin: germline.
Comment: This sequence change replaces threonine, which is neutral and polar, with lysine, which is basic and polar, at codon 141 of the PTDSS1 protein (p.Thr141Lys). This variant is present in population databases (rs748543683, gnomAD 0.006%). This variant has not been reported in the literature in individuals affected with PTDSS1-related conditions. ClinVar contains an entry for this variant (Variation ID: 2074652). Invitae Evidence Modeling of protein sequence and biophysical properties (such as structural, functional, and spatial information, amino acid conservation, physicochemical variation, residue mobility, and thermodynamic stability) indicates that this missense variant is not expected to disrupt PTDSS1 protein function with a negative predictive value of 80%. In summary, the available evidence is currently insufficient to determine the role of this variant in disease. Therefore, it has been classified as a Variant of Uncertain Significance.